The following is an entry in ClinVar:

NM_001042492.3(NF1):c.4881_4882dup (p.Leu1628fs)

Gene: NF1 (neurofibromin 1; plus strand). Cytogenetic location: 17q11.2.
Variant type: Duplication.
Coding change: c.4881_4882dup on transcript NM_001042492.3 (MANE Select); coding-DNA positions 4881 to 4882, 2 bases duplicated (CT; older notation c.4881_4882dupCT).
Protein change: p.Leu1628fs; shifts the reading frame from leucine 1628.
Molecular consequence: frameshift variant.
Genome position (GRCh38, 1-based): chr17:31,325,865-31,325,866, CT duplicated; duplicating any 2 consecutive bases within chr17:31,325,864-31,325,866 gives the same sequence; the c. name uses the placement nearest the transcript's 3' end. VCF-style (leftmost placement, unchanged base first): chr17-31325863-G-GTC. GRCh37 (hg19) VCF-style: chr17-29652881-G-GTC.
Other names: c.4818_4819dup, p.Leu1607Serfs (NM_000267.4); short protein forms L1607fs, L1628fs.
Identifiers: ClinVar variation 2024198 (VCV002024198.4), dbSNP rs2508694473, ClinGen allele CA2580092931.

ClinVar aggregate classification (germline): Pathogenic (1 of 4 stars; one submission).

Conditions:
Neurofibromatosis, type 1 (NF1). Also called: NEUROFIBROMATOSIS, TYPE I, SOMATIC; Neurofibromatosis, type I; Peripheral type neurofibromatosis; VON RECKLINGHAUSEN DISEASE. Identifiers: Orphanet 636, MedGen C0027831, MONDO:0018975, OMIM 162200. Disease mechanism: loss of function.

Submission:

Labcorp Genetics (formerly Invitae), Labcorp
Classification: Pathogenic for Neurofibromatosis, type 1. Last evaluated: 2025-03-03. Review status: criteria provided, single submitter. Criteria: Invitae Variant Classification Sherloc (09022015). Collection method: clinical testing. Allele origin: germline.
Comment: This sequence change creates a premature translational stop signal (p.Leu1607Serfs*3) in the NF1 gene. It is expected to result in an absent or disrupted protein product. Loss-of-function variants in NF1 are known to be pathogenic (PMID: 10712197, 23913538). This variant is not present in population databases (gnomAD no frequency). This variant has not been reported in the literature in individuals affected with NF1-related conditions. ClinVar contains an entry for this variant (Variation ID: 2024198). For these reasons, this variant has been classified as Pathogenic.

Literature cited by the submitters: PubMed 10712197; PubMed 23913538.